The following is an entry in ClinVar:

ClinVar aggregate classification (germline): Uncertain significance (1 of 4 stars; one submission).

Conditions:
Myasthenic syndrome, congenital, 22 (CMS22). Also called: PREPL DEFICIENCY. Identifiers: MedGen C4479088, MONDO:0044299, OMIM 616224.

Allele frequency attached by ClinVar (database versions not stated): gnomAD 0.00001; TOPMed 0.00002.
gnomAD v4.1: 11 of 1,614,086 alleles (0.00068%); highest among the groups gnomAD compares: Admixed American, 0.0017%; no homozygotes.

Submission:

Labcorp Genetics (formerly Invitae), Labcorp
Classification: Uncertain significance for Myasthenic syndrome, congenital, 22. Last evaluated: 2025-01-28. Review status: criteria provided, single submitter. Criteria: Invitae Variant Classification Sherloc (09022015). Collection method: clinical testing. Allele origin: germline.
Comment: This sequence change replaces phenylalanine, which is neutral and non-polar, with cysteine, which is neutral and slightly polar, at codon 558 of the PREPL protein (p.Phe558Cys). This variant is present in population databases (no rsID available, gnomAD 0.002%). This variant has not been reported in the literature in individuals affected with PREPL-related conditions. ClinVar contains an entry for this variant (Variation ID: 1415625). Invitae Evidence Modeling of protein sequence and biophysical properties (such as structural, functional, and spatial information, amino acid conservation, physicochemical variation, residue mobility, and thermodynamic stability) indicates that this missense variant is not expected to disrupt PREPL protein function with a negative predictive value of 80%. In summary, the available evidence is currently insufficient to determine the role of this variant in disease. Therefore, it has been classified as a Variant of Uncertain Significance.

NM_001171613.2(PREPL):c.1406T>G (p.Phe469Cys)

Gene: PREPL (prolyl endopeptidase like; minus strand). Cytogenetic location: 2p21.
Variant type: single nucleotide variant.
Coding change: c.1406T>G on transcript NM_001171613.2 (MANE Select); coding-DNA position 1406, T replaced by G.
Protein change: p.Phe469Cys; replaces phenylalanine 469 with cysteine.
Molecular consequence: missense variant.
Genome position (GRCh38, 1-based): chr2:44,326,785, A>C on the plus strand (T>G on the coding strand, the complement: PREPL is on the minus strand). VCF-style: chr2-44326785-A-C. GRCh37 (hg19) VCF-style: chr2-44553924-A-C.
Other names: c.1487T>G, p.Phe496Cys (NM_001042385.2); c.1475T>G, p.Phe492Cys (NM_001042386.2); c.1673T>G, p.Phe558Cys (NM_001171603.1, NM_001171606.2, NM_001374275.1 and 2 more transcripts); c.1406T>G, p.Phe469Cys (NM_001171617.1, NM_001374277.1); short protein forms F492C, F558C, F469C, F496C.
Identifiers: ClinVar variation 1415625 (VCV001415625.8), dbSNP rs749238316, ClinGen allele CA346689521.